The following is an entry in ClinVar:

NM_015077.4(SARM1):c.1162G>T (p.Ala388Ser)

Gene: SARM1 (sterile alpha and TIR motif containing 1; plus strand). Cytogenetic location: 17q11.2.
Variant type: single nucleotide variant.
Coding change: c.1162G>T on transcript NM_015077.4 (MANE Select); coding-DNA position 1162, G replaced by T.
Protein change: p.Ala388Ser; replaces alanine 388 with serine.
Molecular consequence: missense variant.
Genome position (GRCh38, 1-based): chr17:28,384,429, G>T. VCF-style: chr17-28384429-G-T. GRCh37 (hg19) VCF-style: chr17-26711448-G-T.
Other names: short protein forms A388S.
Identifiers: ClinVar variation 4856254 (VCV004856254.1).
Genomic context (GRCh38, chr17:28,384,429, plus strand): 5'-ATCGGCGCCATCCAGAGCCTGAAACGCCTGGTTTCCTACTCTACCAATGGCACTAAGTCG[G>T]CGCTGGCCAAGCGCGCGCTGCGCCTGCTGGGCGAGGAGGTGCCACGGCCCATCCTGCCCT-3'
Protein context (NP_055892.2, residues 378-398): VSYSTNGTKS[Ala388Ser]LAKRALRLLG

ClinVar aggregate classification (germline): Uncertain significance (1 of 4 stars; one submission).

Conditions:
SARM1-related disorder.

Submission:

3billion
Classification: Uncertain significance for SARM1-related disorder. Last evaluated: 2026-01-09. Review status: criteria provided, single submitter. Criteria: ACMG Guidelines, 2015. Collection method: clinical testing. Allele origin: germline. Affected: yes.
Comment: The variant is not observed in the gnomAD v4.1.0 dataset. Predicted Consequence/Location: Missense variant In silico tool predictions suggest no damaging effect of the variant on gene or gene product [REVEL: 0.03 (<0.4); 3Cnet: 0.05 (<0.1, specificity 0.84 and negative predicitive value 0.97)]. Therefore, this variant is classified as VUS according to the recommendation of ACMG/AMP guideline.